The following is an entry in ClinVar:

NM_017837.4(PIGV):c.1201-3_1201-2dup

Gene: PIGV (phosphatidylinositol glycan anchor biosynthesis class V; plus strand). Cytogenetic location: 1p36.11.
Variant type: Duplication.
Coding change: c.1201-3_1201-2dup on transcript NM_017837.4 (MANE Select); 3 bases into the intron before coding-DNA position 1201 through the canonical splice acceptor site of the intron before coding-DNA position 1201, 2 bases duplicated (TA; older notation c.1201-3_1201-2dupTA).
Molecular consequence: splice acceptor variant.
Genome position (GRCh38, 1-based): chr1:26,797,560-26,797,561, TA duplicated. VCF-style (leftmost placement, unchanged base first): chr1-26797559-C-CTA. GRCh37 (hg19) VCF-style: chr1-27124050-C-CTA.
Other names: c.1201-3_1201-2dup (NM_001374478.1, NM_001374480.1, NM_001374481.1 and 2 more transcripts); c.574-3_574-2dup (NM_001374484.1, NM_001374485.1); c.820-3_820-2dup (NM_001374483.1); c.79-3_79-2dup (NM_001374486.1).
Identifiers: ClinVar variation 2117589 (VCV002117589.4), dbSNP rs2522196857, ClinGen allele CA2580062636.

ClinVar aggregate classification (germline): Uncertain significance (1 of 4 stars; one submission).

Submission:

Labcorp Genetics (formerly Invitae), Labcorp
Classification: Uncertain significance. Last evaluated: 2022-03-26. Review status: criteria provided, single submitter. Criteria: Invitae Variant Classification Sherloc (09022015). Collection method: clinical testing. Allele origin: germline.
Comment: In summary, the available evidence is currently insufficient to determine the role of this variant in disease. Therefore, it has been classified as a Variant of Uncertain Significance. Variants that disrupt the consensus splice site are a relatively common cause of aberrant splicing (PMID: 17576681, 9536098). This variant has not been reported in the literature in individuals affected with PIGV-related conditions. This variant is not present in population databases (gnomAD no frequency). This sequence change falls in intron 3 of the PIGV gene. It does not directly change the encoded amino acid sequence of the PIGV protein. It affects a nucleotide within the consensus splice site.

Literature cited by the submitters: PubMed 17576681; PubMed 9536098.